The following is an entry in ClinVar:

ClinVar aggregate classification (germline): Uncertain significance. Review status: reviewed by expert panel (3 of 4 stars). 11 submissions from 11 submitters: Uncertain significance (1). 10 of the submissions do not count toward it. Last evaluated 2018-08-31.

Conditions:
Hereditary pancreatitis (PCTT). Also called: PRSS1-Related Hereditary Pancreatitis; Hereditary chronic pancreatitis. Identifiers: Orphanet 676, MedGen C0238339, MONDO:0008185, OMIM 167800.
Cystic fibrosis (CF). Also called: MUCOVISCIDOSIS. Identifiers: Orphanet 586, MedGen C0010674, MONDO:0009061, OMIM 219700. Disease mechanism: loss of function.

Allele frequency attached by ClinVar (database versions not stated): gnomAD exomes 0.00056 and 0.00142; ExAC 0.00195; 1000 Genomes Project 30x 0.00531; 1000 Genomes Project 0.00539; gnomAD 0.00551 and 0.00589; ESP Exome Variant Server 0.00592; TOPMed 0.00619.
gnomAD v4.1: 1,373 of 1,049,952 alleles (0.13%); highest among the groups gnomAD compares: African/African-American, 1.9%; 13 homozygotes.

Submissions (11):

CFTR2
Classification: Uncertain significance for Cystic fibrosis. Last evaluated: 2018-08-31. Review status: reviewed by expert panel. Criteria: Submitter's publication and website. Collection method: research. Allele origin: germline. Affected: yes.

CeGaT Center for Human Genetics Tuebingen
Classification: Benign. Last evaluated: 2026-09-01. Review status: criteria provided, single submitter. Criteria: CeGaT Center For Human Genetics Tuebingen Variant Classification Criteria Version 2. Collection method: clinical testing. Allele origin: germline. Affected: yes. Observed: 4 variant alleles. Not counted in ClinVar's aggregate classification.
Comment: CFTR: BS1, BS2

Labcorp Genetics (formerly Invitae), Labcorp
Classification: Benign for Cystic fibrosis. Last evaluated: 2025-08-18. Review status: criteria provided, single submitter. Criteria: Invitae Variant Classification Sherloc (09022015). Collection method: clinical testing. Allele origin: germline. Not counted in ClinVar's aggregate classification.

ARUP Laboratories, Molecular Genetics and Genomics, ARUP Laboratories
Classification: Benign. Last evaluated: 2025-05-16. Review status: criteria provided, single submitter. Criteria: ARUP Molecular Germline Variant Investigation Process 2024. Collection method: clinical testing. Allele origin: germline. Not counted in ClinVar's aggregate classification.

Mayo Clinic Laboratories, Mayo Clinic
Classification: Likely benign. Last evaluated: 2025-04-29. Review status: criteria provided, single submitter. Criteria: ACMG Guidelines, 2015. Collection method: clinical testing. Allele origin: germline. Observed: 7 variant alleles. Not counted in ClinVar's aggregate classification.
Comment: BS1, BP4, BP7

Ambry Genetics
Classification: Benign for Cystic fibrosis. Last evaluated: 2024-12-11. Review status: criteria provided, single submitter. Criteria: Ambry Variant Classification Scheme 2023. Collection method: clinical testing. Allele origin: germline. Not counted in ClinVar's aggregate classification.

Revvity Omics, Revvity
Classification: Uncertain significance. Last evaluated: 2021-12-21. Review status: criteria provided, single submitter. Criteria: ACMG Guidelines, 2015. Collection method: clinical testing. Allele origin: germline. Not counted in ClinVar's aggregate classification.

Sema4
Classification: Benign for Hereditary pancreatitis. Last evaluated: 2020-04-28. Review status: criteria provided, single submitter. Criteria: Sema4 Curation Guidelines. Collection method: curation. Allele origin: germline. Not counted in ClinVar's aggregate classification.

GeneDx
Classification: Likely benign. Last evaluated: 2018-07-20. Review status: criteria provided, single submitter. Criteria: GeneDx Variant Classification Process June 2021. Collection method: clinical testing. Allele origin: germline. Affected: yes. Not counted in ClinVar's aggregate classification.
Comment: See Variant Classification Assertion Criteria.

Eurofins Ntd Llc (ga)
Classification: Benign. Last evaluated: 2017-01-17. Review status: criteria provided, single submitter. Criteria: EGL Classification Definitions 2015. Collection method: clinical testing. Allele origin: germline. Observed: 7 variant alleles, 7 heterozygotes. Not counted in ClinVar's aggregate classification.

Center for Pediatric Genomic Medicine, Children's Mercy Hospital and Clinics
Classification: Likely benign. Last evaluated: 2015-09-28. Review status: criteria provided, single submitter. Criteria: ACMG Guidelines, 2015. Collection method: clinical testing. Allele origin: germline. Not counted in ClinVar's aggregate classification.
ClinVar note: Converted during submission from Likely Benign to Likely benign.

Literature cited by the submitters: PubMed 15025720 (cited by Mayo Clinic Laboratories, Mayo Clinic and Ambry Genetics); PubMed 15300780 (cited by Mayo Clinic Laboratories, Mayo Clinic and Ambry Genetics); PubMed 23810505 (cited by Mayo Clinic Laboratories, Mayo Clinic); PubMed 26436105 (cited by Mayo Clinic Laboratories, Mayo Clinic); PubMed 31036917 (cited by Mayo Clinic Laboratories, Mayo Clinic); PubMed 36409994 (cited by Mayo Clinic Laboratories, Mayo Clinic); PubMed 23974870 (cited by Ambry Genetics).

NM_000492.4(CFTR):c.164+28A>G

Gene: CFTR (CF transmembrane conductance regulator; plus strand). Cytogenetic location: 7q31.2.
Variant type: single nucleotide variant.
Coding change: c.164+28A>G on transcript NM_000492.4 (MANE Select); 28 bases into the intron after coding-DNA position 164, A replaced by G.
Molecular consequence: intron variant.
Genome position (GRCh38, 1-based): chr7:117,504,391, A>G. VCF-style: chr7-117504391-A-G. GRCh37 (hg19) VCF-style: chr7-117144445-A-G.
Other names: p.?.
Identifiers: ClinVar variation 235283 (VCV000235283.55), dbSNP rs34010645, ClinGen allele CA4450652.